The following is an entry in ClinVar:

ClinVar aggregate classification (germline): Uncertain significance (1 of 4 stars; one submission).

Submission:

Ambry Genetics
Classification: Uncertain significance. Last evaluated: 2021-06-30. Review status: criteria provided, single submitter. Criteria: Ambry Variant Classification Scheme 2023. Collection method: clinical testing. Allele origin: germline.
Comment: The p.Q602P variant (also known as c.1805A>C), located in coding exon 9 of the PALLD gene, results from an A to C substitution at nucleotide position 1805. The glutamine at codon 602 is replaced by proline, an amino acid with similar properties. This amino acid position is conserved. In addition, the in silico prediction for this alteration is inconclusive. Since supporting evidence is limited at this time, the clinical significance of this alteration remains unclear.

NM_001166108.2(PALLD):c.1805A>C (p.Gln602Pro)

Gene: PALLD (palladin, cytoskeletal associated protein; plus strand). Cytogenetic location: 4q32.3.
Variant type: single nucleotide variant.
Coding change: c.1805A>C on transcript NM_001166108.2 (MANE Select); coding-DNA position 1805, A replaced by C.
Protein change: p.Gln602Pro; replaces glutamine 602 with proline.
Molecular consequence: missense variant.
Genome position (GRCh38, 1-based): chr4:168,711,764, A>C. VCF-style: chr4-168711764-A-C. GRCh37 (hg19) VCF-style: chr4-169632915-A-C.
Other names: c.659A>C, p.Gln220Pro (NM_001166109.2); c.1805A>C, p.Gln602Pro (NM_016081.4); short protein forms Q220P, Q602P.
Identifiers: ClinVar variation 1780463 (VCV001780463.2), dbSNP rs1391090248, ClinGen allele CA358798350.